The following is an entry in ClinVar:

ClinVar aggregate classification (germline): Uncertain significance (1 of 4 stars; one submission).

Conditions:
Immunodeficiency 35 (IMD35). Also called: HIES WITH ATYPICAL MYCOBACTERIOSIS, AUTOSOMAL RECESSIVE; HYPER-IgE SYNDROME WITH ATYPICAL MYCOBACTERIOSIS, AUTOSOMAL RECESSIVE; TYK2 DEFICIENCY; Susceptibility to infection due to TYK2 deficiency. Identifiers: Orphanet 331226, MedGen C1969086, MONDO:0012682, OMIM 611521.

gnomAD v4.1: 1 of 1,614,038 alleles (0.000062%); highest among the groups gnomAD compares: Non-Finnish European, 0.000085%; no homozygotes.

Submission:

Labcorp Genetics (formerly Invitae), Labcorp
Classification: Uncertain significance for Immunodeficiency 35. Last evaluated: 2024-02-24. Review status: criteria provided, single submitter. Criteria: Invitae Variant Classification Sherloc (09022015). Collection method: clinical testing. Allele origin: germline.
Comment: This sequence change replaces arginine, which is basic and polar, with leucine, which is neutral and non-polar, at codon 548 of the TYK2 protein (p.Arg548Leu). This variant is not present in population databases (gnomAD no frequency). This variant has not been reported in the literature in individuals affected with TYK2-related conditions. ClinVar contains an entry for this variant (Variation ID: 1499075). Advanced modeling of protein sequence and biophysical properties (such as structural, functional, and spatial information, amino acid conservation, physicochemical variation, residue mobility, and thermodynamic stability) performed at Invitae indicates that this missense variant is not expected to disrupt TYK2 protein function with a negative predictive value of 80%. In summary, the available evidence is currently insufficient to determine the role of this variant in disease. Therefore, it has been classified as a Variant of Uncertain Significance.

NM_003331.5(TYK2):c.1643G>T (p.Arg548Leu)

Gene: TYK2 (tyrosine kinase 2; minus strand). Cytogenetic location: 19p13.2.
Variant type: single nucleotide variant.
Coding change: c.1643G>T on transcript NM_003331.5 (MANE Select); coding-DNA position 1643, G replaced by T.
Protein change: p.Arg548Leu; replaces arginine 548 with leucine.
Molecular consequence: missense variant.
Genome position (GRCh38, 1-based): chr19:10,362,290, C>A on the plus strand (G>T on the coding strand, the complement: TYK2 is on the minus strand). VCF-style: chr19-10362290-C-A. GRCh37 (hg19) VCF-style: chr19-10472966-C-A.
Other names: c.1643G>T, p.Arg548Leu (NM_001385197.1, NM_001385198.1, NM_001385199.1 and 5 more transcripts); c.1445G>T, p.Arg482Leu (NM_001385201.1); c.1553G>T, p.Arg518Leu (NM_001385205.1); c.1517G>T, p.Arg506Leu (NM_001385206.1); short protein forms R482L, R548L, R506L, R518L.
Identifiers: ClinVar variation 1499075 (VCV001499075.6), dbSNP rs746253617, ClinGen allele CA404006382.